The following is an entry in ClinVar:

NM_145868.2(ANXA11):c.595G>A (p.Gly199Ser)

Gene: ANXA11 (annexin A11; minus strand). Cytogenetic location: 10q22.3.
Variant type: single nucleotide variant.
Coding change: c.595G>A on transcript NM_145868.2 (MANE Select); coding-DNA position 595, G replaced by A.
Protein change: p.Gly199Ser; replaces glycine 199 with serine.
Molecular consequence: missense variant.
Genome position (GRCh38, 1-based): chr10:80,167,280, C>T on the plus strand (G>A on the coding strand, the complement: ANXA11 is on the minus strand). VCF-style: chr10-80167280-C-T. GRCh37 (hg19) VCF-style: chr10-81927036-C-T.
Other names: c.595G>A, p.Gly199Ser (NM_001157.3, NM_001278407.2, NM_001278408.2 and 1 more transcripts); c.496G>A, p.Gly166Ser (NM_001278409.2); c.595G>A (NM_001157.2); short protein forms G166S, G199S.
Identifiers: ClinVar variation 2151225 (VCV002151225.6), dbSNP rs200982603, ClinGen allele CA5576234.

ClinVar aggregate classification (germline): Uncertain significance. Review status: criteria provided, multiple submitters, no conflicts (2 of 4 stars). 2 submissions from 2 submitters: Uncertain significance (2). Last evaluated 2025-07-29.

Conditions:
Inborn genetic diseases. Identifiers: MedGen C0950123, MeSH D030342.

Allele frequency attached by ClinVar (database versions not stated): ExAC 0.00002; gnomAD exomes 0.00003; gnomAD 0.00008; 1000 Genomes Project 30x 0.00016; TOPMed 0.00019; 1000 Genomes Project 0.00020.
gnomAD v4.1: 64 of 1,614,098 alleles (0.004%); highest among the groups gnomAD compares: Admixed American, 0.033%; no homozygotes.

Submissions (2):

Labcorp Genetics (formerly Invitae), Labcorp
Classification: Uncertain significance. Last evaluated: 2025-07-29. Review status: criteria provided, single submitter. Criteria: Invitae Variant Classification Sherloc (09022015). Collection method: clinical testing. Allele origin: germline.
Comment: This sequence change replaces glycine, which is neutral and non-polar, with serine, which is neutral and polar, at codon 199 of the ANXA11 protein (p.Gly199Ser). This variant is present in population databases (rs200982603, gnomAD 0.006%). This missense change has been observed in individual(s) with clinical features of ANXA11-related conditions (PMID: 38896345). ClinVar contains an entry for this variant (Variation ID: 2151225). An algorithm developed to predict the effect of missense changes on protein structure and function (PolyPhen-2) suggests that this variant is likely to be tolerated. In summary, the available evidence is currently insufficient to determine the role of this variant in disease. Therefore, it has been classified as a Variant of Uncertain Significance.

Ambry Genetics
Classification: Uncertain significance for Inborn genetic diseases. Last evaluated: 2023-02-28. Review status: criteria provided, single submitter. Criteria: Ambry Variant Classification Scheme 2023. Collection method: clinical testing. Allele origin: germline.

Literature cited by the submitters: PubMed 38896345 (cited by Labcorp Genetics (formerly Invitae), Labcorp).